The following is an entry in ClinVar:

ClinVar aggregate classification (germline): Conflicting classifications of pathogenicity. Review status: criteria provided, conflicting classifications (1 of 4 stars). 7 submissions from 7 submitters: Uncertain significance (3); Likely benign (3). 1 of the submissions does not count toward it. Last evaluated 2026-05-29.

Conditions:
NAGLU-related disorder. Also called: NAGLU-related condition.
Charcot-Marie-Tooth disease axonal type 2V. Also called: CHARCOT-MARIE-TOOTH NEUROPATHY, TYPE 2V; CHARCOT-MARIE-TOOTH DISEASE, AXONAL, AUTOSOMAL DOMINANT, TYPE 2V. Identifiers: Orphanet 447964, MedGen C5569050, MONDO:0014665, OMIM 616491.
Mucopolysaccharidosis, MPS-III-B (MPS3B). Also called: MUCOPOLYSACCHARIDOSIS, TYPE IIIB; N-ACETYL-ALPHA-D-GLUCOSAMINIDASE DEFICIENCY; NAGLU DEFICIENCY; SANFILIPPO SYNDROME B; MPS III B; MPS IIIB (Sanfilippo Syndrome Type B). Identifiers: Orphanet 79270, MedGen C0086648, MONDO:0009656, OMIM 252920.

Allele frequency attached by ClinVar (database versions not stated): ExAC 0.00032; gnomAD 0.00071 and 0.00077; ESP Exome Variant Server 0.00085; gnomAD exomes 0.00006 and 0.00020; TOPMed 0.00082; 1000 Genomes Project 0.00120; 1000 Genomes Project 30x 0.00141.

Submissions (7):

Women's Health and Genetics/Laboratory Corporation of America, LabCorp
Classification: Uncertain significance. Last evaluated: 2026-05-29. Review status: criteria provided, single submitter. Criteria: LabCorp Variant Classification Summary - May 2015. Collection method: clinical testing. Allele origin: germline.
Comment: Variant summary: NAGLU c.1346G>A (p.Ser449Asn) results in a conservative amino acid change in the encoded protein sequence. Algorithms developed to predict the effect of missense changes on protein structure and function are either unavailable or do not agree on the potential impact of this missense change. The variant allele was found at a frequency of 0.0002 in 248492 control chromosomes, predominantly at a frequency of 0.0023 within the African or African-American subpopulation in the gnomAD database. This frequency is not significantly higher than estimated for disease-causing variants in NAGLU, allowing no conclusion about variant significance. To our knowledge, no occurrence of c.1346G>A in individuals affected with NAGLU-related conditions has been reported. At least one publication reports experimental evidence evaluating an impact on protein function. The most pronounced variant effect results in 10%-<30% of normal activity (Clark_2018). The following publication has been ascertained in the context of this evaluation (PMID: 29979746). ClinVar contains an entry for this variant (Variation ID: 784713). Based on the evidence outlined above, the variant was classified as VUS-possibly pathogenic.

Labcorp Genetics (formerly Invitae), Labcorp
Classification: Likely benign for Charcot-Marie-Tooth disease axonal type 2V; Mucopolysaccharidosis, MPS-III-B. Last evaluated: 2026-01-13. Review status: criteria provided, single submitter. Criteria: Invitae Variant Classification Sherloc (09022015). Collection method: clinical testing. Allele origin: germline.

PreventionGenetics, part of Exact Sciences
Classification: Likely benign for NAGLU-related condition. Last evaluated: 2025-10-02. Review status: criteria provided, single submitter. Criteria: ACMG Guidelines, 2015. Collection method: clinical testing. Allele origin: germline.
Comment: This variant is classified as likely benign based on ACMG/AMP sequence variant interpretation guidelines (Richards et al. 2015 PMID: 25741868, with internal and published modifications).

GeneDx
Classification: Uncertain significance. Last evaluated: 2025-02-03. Review status: criteria provided, single submitter. Criteria: GeneDx Variant Classification Process June 2021. Collection method: clinical testing. Allele origin: germline. Affected: yes.
Comment: In silico analysis indicates that this missense variant does not alter protein structure/function; Has not been previously published as pathogenic or benign to our knowledge

Mayo Clinic Laboratories, Mayo Clinic
Classification: Uncertain significance. Last evaluated: 2024-12-20. Review status: criteria provided, single submitter. Criteria: ACMG Guidelines, 2015. Collection method: clinical testing. Allele origin: germline. Observed: 3 variant alleles.
Comment: BS1

Blueprint Genetics
Classification: Likely benign. Last evaluated: 2024-07-05. Review status: criteria provided, single submitter. Criteria: ACMG Guidelines, 2015. Collection method: clinical testing. Allele origin: germline.

Natera, Inc.
Classification: Likely benign for Mucopolysaccharidosis type IIIB. Last evaluated: 2020-09-16. Review status: no assertion criteria provided. Collection method: clinical testing. Allele origin: germline. Not counted in ClinVar's aggregate classification.

Literature cited by the submitters: PubMed 29979746 (cited by Women's Health and Genetics/Laboratory Corporation of America, LabCorp).

NM_000263.4(NAGLU):c.1346G>A (p.Ser449Asn)

Gene: NAGLU (N-acetyl-alpha-glucosaminidase; plus strand). Cytogenetic location: 17q21.2.
Variant type: single nucleotide variant.
Coding change: c.1346G>A on transcript NM_000263.4 (MANE Select); coding-DNA position 1346, G replaced by A.
Protein change: p.Ser449Asn; replaces serine 449 with asparagine.
Molecular consequence: missense variant.
Genome position (GRCh38, 1-based): chr17:42,543,352, G>A. VCF-style: chr17-42543352-G-A. GRCh37 (hg19) VCF-style: chr17-40695370-G-A.
Other names: p.Ser449Asn; short protein forms S449N.
Identifiers: ClinVar variation 784713 (VCV000784713.18), dbSNP rs114605439, ClinGen allele CA8577003.
Genomic context (GRCh38, chr17:42,543,352, plus strand): 5'-CTGCCCGCCTCTTCCCCAACTCCACCATGGTAGGCACGGGCATGGCCCCCGAGGGCATCA[G>A]CCAGAACGAAGTGGTCTATTCCCTCATGGCTGAGCTGGGCTGGCGAAAGGACCCAGTGCC-3'
Protein context (NP_000254.2, residues 439-459): VGTGMAPEGI[Ser449Asn]QNEVVYSLMA